The following is an entry in ClinVar:

NM_006206.6(PDGFRA):c.3086C>T (p.Pro1029Leu)

Gene: PDGFRA (platelet derived growth factor receptor alpha; plus strand). Cytogenetic location: 4q12.
Variant type: single nucleotide variant.
Coding change: c.3086C>T on transcript NM_006206.6 (MANE Select); coding-DNA position 3086, C replaced by T.
Protein change: p.Pro1029Leu; replaces proline 1029 with leucine.
Molecular consequence: missense variant.
Genome position (GRCh38, 1-based): chr4:54,290,518, C>T. VCF-style: chr4-54290518-C-T. GRCh37 (hg19) VCF-style: chr4-55156685-C-T.
Other names: c.3161C>T, p.Pro1054Leu (NM_001347828.2); c.3086C>T, p.Pro1029Leu (NM_001347829.2); c.3125C>T, p.Pro1042Leu (NM_001347830.2); short protein forms P1029L, P1042L, P1054L.
Identifiers: ClinVar variation 528573 (VCV000528573.10), dbSNP rs1553906681, ClinGen allele CA356896347.

ClinVar aggregate classification (germline): Uncertain significance. Review status: criteria provided, multiple submitters, no conflicts (2 of 4 stars). 2 submissions from 2 submitters: Uncertain significance (2). Last evaluated 2025-06-18.

Conditions:
Hereditary cancer-predisposing syndrome. Also called: Tumor predisposition; Hereditary neoplastic syndrome; Hereditary Cancer Syndrome; Neoplastic Syndromes, Hereditary. Identifiers: Orphanet 140162, MedGen C0027672, MeSH D009386, MONDO:0015356.
Gastrointestinal stromal tumor. Also called: Gastrointestinal stroma tumor; Gastrointestinal stromal tumor, somatic. Identifiers: Orphanet 44890, MedGen C0238198, MeSH D046152, MONDO:0011719, OMIM 606764, HP:0100723.

Submissions (2):

Ambry Genetics
Classification: Uncertain significance for Hereditary cancer-predisposing syndrome. Last evaluated: 2025-06-18. Review status: criteria provided, single submitter. Criteria: Ambry Variant Classification Scheme 2023. Collection method: clinical testing. Allele origin: germline.
Comment: The p.P1029L variant (also known as c.3086C>T), located in coding exon 21 of the PDGFRA gene, results from a C to T substitution at nucleotide position 3086. The proline at codon 1029 is replaced by leucine, an amino acid with similar properties. This amino acid position is conserved. In addition, this alteration is predicted to be tolerated by in silico analysis. Based on the available evidence, the clinical significance of this variant remains unclear.

Labcorp Genetics (formerly Invitae), Labcorp
Classification: Uncertain significance for Gastrointestinal stromal tumor. Last evaluated: 2023-12-29. Review status: criteria provided, single submitter. Criteria: Invitae Variant Classification Sherloc (09022015). Collection method: clinical testing. Allele origin: germline.
Comment: This sequence change replaces proline, which is neutral and non-polar, with leucine, which is neutral and non-polar, at codon 1029 of the PDGFRA protein (p.Pro1029Leu). This variant is not present in population databases (gnomAD no frequency). This variant has not been reported in the literature in individuals affected with PDGFRA-related conditions. ClinVar contains an entry for this variant (Variation ID: 528573). Advanced modeling of protein sequence and biophysical properties (such as structural, functional, and spatial information, amino acid conservation, physicochemical variation, residue mobility, and thermodynamic stability) performed at Invitae indicates that this missense variant is not expected to disrupt PDGFRA protein function with a negative predictive value of 80%. In summary, the available evidence is currently insufficient to determine the role of this variant in disease. Therefore, it has been classified as a Variant of Uncertain Significance.